The following is an entry in ClinVar:

ClinVar aggregate classification (germline): Conflicting classifications of pathogenicity. Review status: criteria provided, conflicting classifications (1 of 4 stars). 3 submissions from 3 submitters: Uncertain significance (1); Likely benign (2). Last evaluated 2025-08-26.

Conditions:
Autosomal recessive limb-girdle muscular dystrophy type 2Q (LGMDR17). Also called: MUSCULAR DYSTROPHY, LIMB-GIRDLE, AUTOSOMAL RECESSIVE 17. Identifiers: Orphanet 254361, MedGen C3150989, MONDO:0013390, OMIM 613723.
Epidermolysis bullosa simplex 5B, with muscular dystrophy (EBS5B). Also called: EPIDERMOLYSIS BULLOSA SIMPLEX AND LIMB-GIRDLE MUSCULAR DYSTROPHY; Epidermolysis bullosa simplex with muscular dystrophy. Identifiers: Orphanet 257, MedGen C2931072, MONDO:0009181, OMIM 226670.
Epidermolysis bullosa simplex, Ogna type (EBS5A). Also called: EPIDERMOLYSIS BULLOSA SIMPLEX 5A, OGNA TYPE; Pidermolysis bullosa simplex 5A, Ogna type. Identifiers: Orphanet 79401, MedGen C0432317, MONDO:0007555, OMIM 131950.
Epidermolysis bullosa simplex 5C, with pyloric atresia (EBS5C). Also called: PLEC-Related Epidermolysis Bullosa with Pyloric Atresia; Epidermolysis bullosa simplex with pyloric atresia; PLEC1-Related Epidermolysis Bullosa with Pyloric Atresia. Identifiers: Orphanet 158684, MedGen C2677349, MONDO:0012807, OMIM 612138.
Epidermolysis bullosa simplex with nail dystrophy (EBS5D). Identifiers: MedGen C4225309, MONDO:0014661, OMIM 616487.

Allele frequency attached by ClinVar (database versions not stated): ExAC 0.00001; TOPMed 0.00001.
gnomAD v4.1: 10 of 1,611,640 alleles (0.00062%); highest among the groups gnomAD compares: Non-Finnish European, 0.00085%; no homozygotes.

Submissions (3):

Labcorp Genetics (formerly Invitae), Labcorp
Classification: Likely benign for Autosomal recessive limb-girdle muscular dystrophy type 2Q; Epidermolysis bullosa simplex, Ogna type; Epidermolysis bullosa simplex with nail dystrophy; Epidermolysis bullosa simplex 5C, with pyloric atresia; Epidermolysis bullosa simplex 5B, with muscular dystrophy. Last evaluated: 2025-08-26. Review status: criteria provided, single submitter. Criteria: Invitae Variant Classification Sherloc (09022015). Collection method: clinical testing. Allele origin: germline.

GeneDx
Classification: Likely benign. Last evaluated: 2016-10-20. Review status: criteria provided, single submitter. Criteria: GeneDx Variant Classification (06012015). Collection method: clinical testing. Allele origin: germline. Affected: yes.
Comment: This variant is considered likely benign or benign based on one or more of the following criteria: it is a conservative change, it occurs at a poorly conserved position in the protein, it is predicted to be benign by multiple in silico algorithms, and/or has population frequency not consistent with disease.

Eurofins Ntd Llc (ga)
Classification: Uncertain significance. Last evaluated: 2015-04-09. Review status: criteria provided, single submitter. Criteria: EGL Classification Definitions 2015. Collection method: clinical testing. Allele origin: germline. Observed: 1 variant allele, 1 heterozygote.

NM_201384.3(PLEC):c.13287C>A (p.Gly4429=)

Gene: PLEC (plectin; minus strand). Cytogenetic location: 8q24.3.
Variant type: single nucleotide variant.
Coding change: c.13287C>A on transcript NM_201384.3 (MANE Select); coding-DNA position 13287, C replaced by A.
Protein change: p.Gly4429=; no amino-acid change (glycine 4429 retained).
Molecular consequence: synonymous variant.
Genome position (GRCh38, 1-based): chr8:143,916,534, G>T on the plus strand (C>A on the coding strand, the complement: PLEC is on the minus strand). VCF-style: chr8-143916534-G-T. GRCh37 (hg19) VCF-style: chr8-144990702-G-T.
Other names: c.13368C>A, p.Gly4456= (NM_000445.5); c.13245C>A, p.Gly4415= (NM_201378.4); c.13221C>A, p.Gly4407= (NM_201379.3); c.13698C>A, p.Gly4566= (NM_201380.4); c.13191C>A, p.Gly4397= (NM_201381.3); c.13287C>A, p.Gly4429= (NM_201382.4); c.13299C>A, p.Gly4433= (NM_201383.3).
Identifiers: ClinVar variation 196836 (VCV000196836.15), dbSNP rs782581005, ClinGen allele CA244424.
Genomic context (GRCh38, chr8:143,916,534, plus strand): 5'-CGCGTCCTTATAGGAGATCTTGAGCTTGGTCTTAGGGCAGGTGAGGTACTTGGAGTAGGC[G>T]CCCACGTCACGCAGCTTCTGTGCGGTGCGGGCGTCCACCGTGCCGCGCTGCAGGGCCTCG-3'
Protein context (NP_958786.1, residues 4419-4439): ARTAQKLRDV[Gly4429=]AYSKYLTCPK